The following is an entry in ClinVar:

NM_006922.4(SCN3A):c.603-108A>G

Gene: SCN3A (sodium voltage-gated channel alpha subunit 3; minus strand). Cytogenetic location: 2q24.3.
Variant type: single nucleotide variant.
Coding change: c.603-108A>G on transcript NM_006922.4 (MANE Select); 108 bases into the intron before coding-DNA position 603, A replaced by G.
Molecular consequence: intron variant. On other transcripts: missense variant (1).
Genome position (GRCh38, 1-based): chr2:165,163,817, T>C on the plus strand (A>G on the coding strand, the complement: SCN3A is on the minus strand). VCF-style: chr2-165163817-T-C. GRCh37 (hg19) VCF-style: chr2-166020327-T-C.
Other names: c.679A>G, p.Ile227Val (NM_001081677.2); c.603-108A>G (NM_001081676.2); short protein forms I227V.
Identifiers: ClinVar variation 3774241 (VCV003774241.1).

ClinVar aggregate classification (germline): Uncertain significance (1 of 4 stars; one submission).

Submission:

GeneDx
Classification: Uncertain significance. Last evaluated: 2024-09-24. Review status: criteria provided, single submitter. Criteria: GeneDx Variant Classification Process June 2021. Collection method: clinical testing. Allele origin: germline. Affected: yes.
Comment: Not observed at significant frequency in large population cohorts (gnomAD); In silico analysis indicates that this missense variant does not alter protein structure/function; Reported using an alternate transcript of the gene; Has not been previously published as pathogenic or benign to our knowledge